The following is an entry in ClinVar:

ClinVar aggregate classification (germline): Uncertain significance (1 of 4 stars; one submission).

Allele frequency attached by ClinVar (database versions not stated): gnomAD exomes below 0.00001.
gnomAD v4.1: 1 of 1,607,240 alleles (0.000062%); highest among the groups gnomAD compares: Non-Finnish European, 0.000085%; no homozygotes.

Submission:

Labcorp Genetics (formerly Invitae), Labcorp
Classification: Uncertain significance. Last evaluated: 2023-11-17. Review status: criteria provided, single submitter. Criteria: Invitae Variant Classification Sherloc (09022015). Collection method: clinical testing. Allele origin: germline.
Comment: This sequence change replaces asparagine, which is neutral and polar, with serine, which is neutral and polar, at codon 1130 of the DIP2C protein (p.Asn1130Ser). This variant is not present in population databases (gnomAD no frequency). This variant has not been reported in the literature in individuals affected with DIP2C-related conditions. ClinVar contains an entry for this variant (Variation ID: 2130910). An algorithm developed to predict the effect of missense changes on protein structure and function (PolyPhen-2) suggests that this variant is likely to be tolerated. In summary, the available evidence is currently insufficient to determine the role of this variant in disease. Therefore, it has been classified as a Variant of Uncertain Significance.

NM_014974.3(DIP2C):c.3389A>G (p.Asn1130Ser)

Genes: DIP2C (DIP2 acetate--CoA ligase C (putative); minus strand), LOC126860805 (BRD4-independent group 4 enhancer GRCh37_chr10:390524-391723; plus strand). Cytogenetic location: 10p15.3.
Variant type: single nucleotide variant.
Coding change: c.3389A>G on transcript NM_014974.3 (MANE Select); coding-DNA position 3389, A replaced by G.
Protein change: p.Asn1130Ser; replaces asparagine 1130 with serine.
Molecular consequence: missense variant.
Genome position (GRCh38, 1-based): chr10:344,873, T>C on the plus strand (A>G on the coding strand, the complement: DIP2C is on the minus strand). VCF-style: chr10-344873-T-C. GRCh37 (hg19) VCF-style: chr10-390813-T-C.
Other names: short protein forms N1130S.
Identifiers: ClinVar variation 2130910 (VCV002130910.4), dbSNP rs1589550285, ClinGen allele CA375830033.